The following is an entry in ClinVar:

NM_005005.3(NDUFB9):c.536T>C (p.Met179Thr)

Gene: NDUFB9 (NADH:ubiquinone oxidoreductase subunit B9; plus strand). Cytogenetic location: 8q24.13.
Variant type: single nucleotide variant.
Coding change: c.536T>C on transcript NM_005005.3 (MANE Select); coding-DNA position 536, T replaced by C.
Protein change: p.Met179Thr; replaces methionine 179 with threonine.
Molecular consequence: missense variant.
Genome position (GRCh38, 1-based): chr8:124,549,888, T>C. VCF-style: chr8-124549888-T-C. GRCh37 (hg19) VCF-style: chr8-125562129-T-C.
Other names: c.536T>C (NM_005005.2); c.368T>C, p.Met123Thr (NM_001278645.2); c.407T>C, p.Met136Thr (NM_001278646.2); c.503T>C, p.Met168Thr (NM_001311168.2); short protein forms M123T, M136T, M168T, M179T.
Identifiers: ClinVar variation 1049847 (VCV001049847.29), dbSNP rs200683472, ClinGen allele CA4871608.

ClinVar aggregate classification (germline): Conflicting classifications of pathogenicity. Review status: criteria provided, conflicting classifications (1 of 4 stars). 4 submissions from 4 submitters: Uncertain significance (2); Likely benign (1). 1 of the submissions does not count toward it. Last evaluated 2025-09-29.

Allele frequency attached by ClinVar (database versions not stated): TOPMed 0.00007; ESP Exome Variant Server 0.00008; gnomAD 0.00008; gnomAD exomes 0.00026; ExAC 0.00045.

Submissions (4):

Labcorp Genetics (formerly Invitae), Labcorp
Classification: Uncertain significance. Last evaluated: 2025-09-29. Review status: criteria provided, single submitter. Criteria: Invitae Variant Classification Sherloc (09022015). Collection method: clinical testing. Allele origin: germline.
Comment: This sequence change replaces methionine, which is neutral and non-polar, with threonine, which is neutral and polar, at codon 179 of the NDUFB9 protein (p.Met179Thr). This variant is present in population databases (rs200683472, gnomAD 0.05%), and has an allele count higher than expected for a pathogenic variant. This variant has not been reported in the literature in individuals affected with NDUFB9-related conditions. ClinVar contains an entry for this variant (Variation ID: 1049847). An algorithm developed to predict the effect of missense changes on protein structure and function outputs the following: PolyPhen-2: "Benign". The threonine amino acid residue is found in multiple mammalian species, which suggests that this missense change does not adversely affect protein function. In summary, the available evidence is currently insufficient to determine the role of this variant in disease. Therefore, it has been classified as a Variant of Uncertain Significance.

CeGaT Center for Human Genetics Tuebingen
Classification: Uncertain significance. Last evaluated: 2024-05-01. Review status: criteria provided, single submitter. Criteria: CeGaT Center For Human Genetics Tuebingen Variant Classification Criteria Version 2. Collection method: clinical testing. Allele origin: germline. Affected: yes. Observed: 1 variant allele.
Comment: NDUFB9: PM2, BP4

Ambry Genetics
Classification: Likely benign. Last evaluated: 2023-02-06. Review status: criteria provided, single submitter. Criteria: Ambry Variant Classification Scheme 2023. Collection method: clinical testing. Allele origin: germline.

Department of Pathology and Laboratory Medicine, Sinai Health System
Classification: Uncertain significance. Review status: no assertion criteria provided. Collection method: clinical testing. Allele origin: unknown. Affected: yes. Study: The Canadian Open Genetics Repository (COGR). Not counted in ClinVar's aggregate classification.
Comment: The NDUFB9 p.Met179Thr variant was not identified in the literature nor was it identified in ClinVar. The variant was identified in dbSNP (ID: rs200683472) and was identified in control databases in 71 of 282762 chromosomes at a frequency of 0.0002511 (Genome Aggregation Database March 6, 2019, v2.1.1). The variant was observed in the following populations: European (non-Finnish) in 69 of 129108 chromosomes (freq: 0.000534), Other in 1 of 7224 chromosomes (freq: 0.000138) and European (Finnish) in 1 of 25122 chromosomes (freq: 0.00004), but was not observed in the African, Latino, Ashkenazi Jewish, East Asian or South Asian populations. The p.Met179 residue is not conserved in mammals and four out of five computational analyses (PolyPhen-2, SIFT, AlignGVGD, BLOSUM, MutationTaster) do not suggest a high likelihood of impact to the protein; however, this information is not predictive enough to rule out pathogenicity. The variant occurs outside of the splicing consensus sequence and in silico or computational prediction software programs (SpliceSiteFinder, MaxEntScan, NNSPLICE, GeneSplicer) do not predict a difference in splicing. In summary, based on the above information the clinical significance of this variant cannot be determined with certainty at this time. This variant is classified as a variant of uncertain significance.